The following is an entry in ClinVar:

NM_001561.6(TNFRSF9):c.346+4C>T

Gene: TNFRSF9 (TNF receptor superfamily member 9; minus strand). Cytogenetic location: 1p36.23.
Variant type: single nucleotide variant.
Coding change: c.346+4C>T on transcript NM_001561.6 (MANE Select); 4 bases into the intron after coding-DNA position 346, C replaced by T.
Molecular consequence: intron variant.
Genome position (GRCh38, 1-based): chr1:7,938,189, G>A on the plus strand (C>T on the coding strand, the complement: TNFRSF9 is on the minus strand). VCF-style: chr1-7938189-G-A. GRCh37 (hg19) VCF-style: chr1-7998249-G-A.
Identifiers: ClinVar variation 2161345 (VCV002161345.1), dbSNP rs9657966, ClinGen allele CA569276.

ClinVar aggregate classification (germline): Uncertain significance (1 of 4 stars; one submission).

gnomAD v4.1: 49 of 1,571,966 alleles (0.0031%); highest among the groups gnomAD compares: South Asian, 0.011%; no homozygotes.

Submission:

Labcorp Genetics (formerly Invitae), Labcorp
Classification: Uncertain significance. Last evaluated: 2022-05-05. Review status: criteria provided, single submitter. Criteria: Invitae Variant Classification Sherloc (09022015). Collection method: clinical testing. Allele origin: germline.
Comment: This sequence change falls in intron 5 of the TNFRSF9 gene. It does not directly change the encoded amino acid sequence of the TNFRSF9 protein. It affects a nucleotide within the consensus splice site. This variant is present in population databases (rs9657966, gnomAD 0.01%). This variant has not been reported in the literature in individuals affected with TNFRSF9-related conditions. Variants that disrupt the consensus splice site are a relatively common cause of aberrant splicing (PMID: 17576681, 9536098). Algorithms developed to predict the effect of sequence changes on RNA splicing suggest that this variant is not likely to affect RNA splicing. In summary, the available evidence is currently insufficient to determine the role of this variant in disease. Therefore, it has been classified as a Variant of Uncertain Significance.

Literature cited by the submitters: PubMed 17576681; PubMed 9536098.